The following is an entry in ClinVar:

ClinVar aggregate classification (germline): Likely benign. Review status: criteria provided, multiple submitters, no conflicts (2 of 4 stars). 3 submissions from 3 submitters: Likely benign (2). 1 of the submissions does not count toward it. Last evaluated 2025-05-01.

Conditions:
COL4A4-related disorder.

Submissions (3):

CeGaT Center for Human Genetics Tuebingen
Classification: Likely benign. Last evaluated: 2025-05-01. Review status: criteria provided, single submitter. Criteria: CeGaT Center For Human Genetics Tuebingen Variant Classification Criteria Version 2. Collection method: clinical testing. Allele origin: germline. Affected: yes. Observed: 1 variant allele.
Comment: COL4A4: PM2:Supporting, BP4, BP7

Women's Health and Genetics/Laboratory Corporation of America, LabCorp
Classification: Likely benign. Last evaluated: 2023-02-11. Review status: criteria provided, single submitter. Criteria: LabCorp Variant Classification Summary - May 2015. Collection method: clinical testing. Allele origin: germline.

PreventionGenetics, part of Exact Sciences
Classification: Likely benign for COL4A4-related condition. Last evaluated: 2022-09-08. Review status: no assertion criteria provided. Collection method: clinical testing. Allele origin: germline. Not counted in ClinVar's aggregate classification.
Comment: This variant is classified as likely benign based on ACMG/AMP sequence variant interpretation guidelines (Richards et al. 2015 PMID: 25741868, with internal and published modifications).

NM_000092.5(COL4A4):c.1308G>C (p.Gly436=)

Gene: COL4A4 (collagen type IV alpha 4 chain; minus strand). Cytogenetic location: 2q36.3.
Variant type: single nucleotide variant.
Coding change: c.1308G>C on transcript NM_000092.5 (MANE Select); coding-DNA position 1308, G replaced by C.
Protein change: p.Gly436=; no amino-acid change (glycine 436 retained).
Molecular consequence: synonymous variant.
Genome position (GRCh38, 1-based): chr2:227,094,186, C>G on the plus strand (G>C on the coding strand, the complement: COL4A4 is on the minus strand). VCF-style: chr2-227094186-C-G. GRCh37 (hg19) VCF-style: chr2-227958902-C-G.
Identifiers: ClinVar variation 2445782 (VCV002445782.13), dbSNP rs1576457159, ClinGen allele CA431500559.